The following is an entry in ClinVar:

NM_017841.4(SDHAF2):c.366_370+9del

Gene: SDHAF2 (succinate dehydrogenase complex assembly factor 2; plus strand). Cytogenetic location: 11q12.2.
Variant type: Deletion.
Coding change: c.366_370+9del on transcript NM_017841.4 (MANE Select); coding-DNA position 366 through 9 bases into the intron after coding-DNA position 370, 14 bases deleted (CACAGGTACTGGGT).
Molecular consequence: splice donor variant.
Genome position (GRCh38, 1-based): chr11:61,438,109-61,438,122, CACAGGTACTGGGT deleted. VCF-style (leftmost placement, unchanged base first): chr11-61438108-CCACAGGTACTGGGT-C. GRCh37 (hg19) VCF-style: chr11-61205580-CCACAGGTACTGGGT-C.
Identifiers: ClinVar variation 2912036 (VCV002912036.4), dbSNP rs2540125055, ClinGen allele CA2739270457.
Genomic context (GRCh38, chr11:61,438,108, plus strand): 5'-TGAACCTCTATGACCGCCTGATTAACGAGCCTAGTAATGACTGGGATATTTACTACTGGG[CCACAGGTACTGGGT>C]ATGATAAGCAGCATAATGTGAAAATAGGACAGTTTAGGCTGATTTGAGTCTAGAATTGTA-3'

ClinVar aggregate classification (germline): Uncertain significance. Review status: criteria provided, multiple submitters, no conflicts (2 of 4 stars). 2 submissions from 2 submitters: Uncertain significance (2). Last evaluated 2025-09-09.

Conditions:
Hereditary pheochromocytoma and paraganglioma. Also called: Hereditary paragangliomas and pheochromocytomas; Hereditary Paraganglioma-Pheochromocytoma Syndromes; Hereditary pheochromocytoma-paraganglioma. Identifiers: Orphanet 29072, MedGen C4274332, MONDO:0017366.

Submissions (2):

Color Diagnostics, LLC DBA Color Health
Classification: Uncertain significance for Hereditary pheochromocytoma and paraganglioma. Last evaluated: 2025-09-09. Review status: criteria provided, single submitter. Criteria: ACMG Guidelines, 2015. Collection method: clinical testing. Allele origin: germline.
Comment: This variant causes a deletion of 14 basepairs in the splice donor region of intron 3 of the SDHAF2 gene, abolishing the canonical donor site. Splice site prediction tools predict that this variant may have a significant impact on RNA splicing. Although this prediction has not been confirmed in published RNA studies, splice predictions indicate the possible use of a cryptic donor site 33 basepairs upstream, which would result in an 11 amino acid in-frame deletion. This variant has not been reported in individuals affected with SDHAF2-related disorders in the literature. This variant has not been identified in the general population by the Genome Aggregation Database (gnomAD). The available evidence is insufficient to determine the role of this variant in disease conclusively. Therefore, this variant is classified as a Variant of Uncertain Significance.

Labcorp Genetics (formerly Invitae), Labcorp
Classification: Uncertain significance for Hereditary pheochromocytoma and paraganglioma. Last evaluated: 2023-07-12. Review status: criteria provided, single submitter. Criteria: Invitae Variant Classification Sherloc (09022015). Collection method: clinical testing. Allele origin: germline.
Comment: This variant results in the deletion of part of exon 3 (c.366_370+9del) of the SDHAF2 gene. While this variant is not anticipated to result in nonsense mediated decay, it likely alters RNA splicing and results in a disrupted protein product. This variant is not present in population databases (gnomAD no frequency). This variant has not been reported in the literature in individuals affected with SDHAF2-related conditions. Variants that disrupt the consensus splice site are a relatively common cause of aberrant splicing (PMID: 17576681, 9536098). Algorithms developed to predict the effect of sequence changes on RNA splicing suggest that this variant may disrupt the consensus splice site. In summary, the available evidence is currently insufficient to determine the role of this variant in disease. Therefore, it has been classified as a Variant of Uncertain Significance.

Literature cited by the submitters: PubMed 17576681 (cited by Labcorp Genetics (formerly Invitae), Labcorp); PubMed 9536098 (cited by Labcorp Genetics (formerly Invitae), Labcorp).